The following is an entry in ClinVar:

NM_001134363.3(RBM20):c.2736C>A (p.Asp912Glu)

Gene: RBM20 (RNA binding motif protein 20; plus strand). Cytogenetic location: 10q25.2.
Variant type: single nucleotide variant.
Coding change: c.2736C>A on transcript NM_001134363.3 (MANE Select); coding-DNA position 2736, C replaced by A.
Protein change: p.Asp912Glu; replaces aspartic acid 912 with glutamic acid.
Molecular consequence: missense variant.
Genome position (GRCh38, 1-based): chr10:110,821,355, C>A. VCF-style: chr10-110821355-C-A. GRCh37 (hg19) VCF-style: chr10-112581113-C-A.
Other names: p.D912E:GAC>GAA; c.2736C>A (LRG_382t1, NM_001134363.2); short protein forms D912E.
Identifiers: ClinVar variation 202070 (VCV000202070.3), dbSNP rs368136394, ClinGen allele CA335565.

ClinVar aggregate classification (germline): Uncertain significance. Review status: criteria provided, single submitter (1 of 4 stars). 2 submissions from 2 submitters: Uncertain significance (1). 1 of the submissions does not count toward it. Last evaluated 2018-04-21.

Conditions:
RBM20-related disorder. Also called: RBM20-related condition.

Submissions (2):

GeneDx
Classification: Uncertain significance. Last evaluated: 2018-04-21. Review status: criteria provided, single submitter. Criteria: GeneDx Variant Classification (06012015). Collection method: clinical testing. Allele origin: germline. Affected: yes.
Comment: A variant of uncertain significance has been identified in the RBM20 gene. The D912E variant has not been published as pathogenic or been reported as benign to our knowledge. This variant is not observed in large population cohorts (Lek et al., 2016). Nevertheless, the D912E variant is a conservative amino acid substitution, which is not likely to impact secondary protein structure as these residues share similar properties. Moreover, in-silico analyses, including protein predictors and evolutionary conservation, support that this variant does not alter protein structure/function.

PreventionGenetics, part of Exact Sciences
Classification: Uncertain significance for RBM20-related condition. Last evaluated: 2024-04-04. Review status: no assertion criteria provided. Collection method: clinical testing. Allele origin: germline. Not counted in ClinVar's aggregate classification.
Comment: The RBM20 c.2736C>A variant is predicted to result in the amino acid substitution p.Asp912Glu. This variant was reported in a cohort of individuals with RBM20 variants; however, detailed clinical information was not available (Table S1, Parikh et al. 2019. PubMed ID: 30871351). This variant has not been reported in a large population database, indicating this variant is rare. At this time, the clinical significance of this variant is uncertain due to the absence of conclusive functional and genetic evidence.